The following is an entry in ClinVar:

ClinVar aggregate classification (germline): Uncertain significance. Review status: criteria provided, multiple submitters, no conflicts (2 of 4 stars). 5 submissions from 5 submitters: Uncertain significance (4). 1 of the submissions does not count toward it. Last evaluated 2024-07-12.

Conditions:
Autosomal recessive inherited pseudoxanthoma elasticum (PXE). Identifiers: Orphanet 758, MedGen CN032334, MONDO:0009925, OMIM 264800.
Pseudoxanthoma elasticum, forme fruste. Also called: PSEUDOXANTHOMA ELASTICUM, HETEROZYGOUS; Pseudoxanthoma Elasticum, Incomplete. Identifiers: Orphanet 758, MedGen C1867450, MONDO:0008333, OMIM 177850.
Arterial calcification, generalized, of infancy, 2. Identifiers: Orphanet 51608, MedGen C3276161, MONDO:0013768, OMIM 614473.

Allele frequency attached by ClinVar (database versions not stated): gnomAD 0.00001 and 0.00003; TOPMed 0.00001; gnomAD exomes 0.00008; ExAC 0.00010.
gnomAD v4.1: 74 of 1,613,886 alleles (0.0046%); highest among the groups gnomAD compares: East Asian, 0.16%; no homozygotes.

Submissions (5):

Blueprint Genetics
Classification: Uncertain significance. Last evaluated: 2024-07-12. Review status: criteria provided, single submitter. Criteria: ACMG Guidelines, 2015. Collection method: clinical testing. Allele origin: germline.

Labcorp Genetics (formerly Invitae), Labcorp
Classification: Uncertain significance. Last evaluated: 2023-05-20. Review status: criteria provided, single submitter. Criteria: Invitae Variant Classification Sherloc (09022015). Collection method: clinical testing. Allele origin: germline.
Comment: Algorithms developed to predict the effect of missense changes on protein structure and function output the following: SIFT: "Not Available"; PolyPhen-2: "Benign"; Align-GVGD: "Not Available". The cysteine amino acid residue is found in multiple mammalian species, which suggests that this missense change does not adversely affect protein function. This sequence change replaces serine, which is neutral and polar, with cysteine, which is neutral and slightly polar, at codon 587 of the ABCC6 protein (p.Ser587Cys). This variant is present in population databases (rs527236047, gnomAD 0.1%). This missense change has been observed in individual(s) with angioid streaks (PMID: 19284998). ClinVar contains an entry for this variant (Variation ID: 143118). In summary, the available evidence is currently insufficient to determine the role of this variant in disease. Therefore, it has been classified as a Variant of Uncertain Significance.

Fulgent Genetics
Classification: Uncertain significance for Pseudoxanthoma elasticum, forme fruste; Autosomal recessive inherited pseudoxanthoma elasticum; Arterial calcification, generalized, of infancy, 2. Last evaluated: 2022-04-01. Review status: criteria provided, single submitter. Criteria: ACMG Guidelines, 2015. Collection method: clinical testing. Allele origin: unknown.

Breakthrough Genomics
Classification: Uncertain significance. Review status: criteria provided, single submitter. Criteria: ACMG Guidelines, 2015. Collection method: not provided. Allele origin: germline. Inheritance: Autosomal recessive inheritance. Affected: yes.

Department of Ophthalmology and Visual Sciences Kyoto University
Classification: Likely benign. Review status: no assertion criteria provided. Collection method: not provided. Allele origin: unknown. Not counted in ClinVar's aggregate classification.
ClinVar note: Converted during submission from probable-non-pathogenic to Likely benign.

Literature cited by the submitters: PubMed 19284998 (cited by Labcorp Genetics (formerly Invitae), Labcorp).

NM_001171.6(ABCC6):c.1760C>G (p.Ser587Cys)

Gene: ABCC6 (ATP binding cassette subfamily C member 6; minus strand). Cytogenetic location: 16p13.11.
Variant type: single nucleotide variant.
Coding change: c.1760C>G on transcript NM_001171.6 (MANE Select); coding-DNA position 1760, C replaced by G.
Protein change: p.Ser587Cys; replaces serine 587 with cysteine.
Molecular consequence: missense variant. On other transcripts: non-coding transcript variant (1).
Genome position (GRCh38, 1-based): chr16:16,188,850, G>C on the plus strand (C>G on the coding strand, the complement: ABCC6 is on the minus strand). VCF-style: chr16-16188850-G-C. GRCh37 (hg19) VCF-style: chr16-16282707-G-C.
Other names: c.1418C>G, p.Ser473Cys (NM_001351800.1); short protein forms S587C, S473C.
Identifiers: ClinVar variation 143118 (VCV000143118.9), dbSNP rs527236047, ClinGen allele CA232831.